The following is an entry in ClinVar:

NM_174936.4(PCSK9):c.658-2A>C

Gene: PCSK9 (proprotein convertase subtilisin/kexin type 9; plus strand). Cytogenetic location: 1p32.3.
Variant type: single nucleotide variant.
Coding change: c.658-2A>C on transcript NM_174936.4 (MANE Select); the canonical splice acceptor site of the intron before coding-DNA position 658, A replaced by C.
Molecular consequence: splice acceptor variant. On other transcripts: missense variant (1).
Genome position (GRCh38, 1-based): chr1:55,052,648, A>C. VCF-style: chr1-55052648-A-C. GRCh37 (hg19) VCF-style: chr1-55518321-A-C.
Other names: c.659A>C, p.Gln220Pro (NM_001407242.1); c.283-2A>C (NM_001407246.1); c.781-2A>C (NM_001407240.1); c.658-2A>C (NM_001407241.1, NM_001407244.1, NM_001407247.1); c.601-2A>C (NM_001407243.1); c.466-2A>C (NM_001407245.1); short protein forms Q220P.
Identifiers: ClinVar variation 1172039 (VCV001172039.5), dbSNP rs371336612, ClinGen allele CA043823.

ClinVar aggregate classification (germline): Uncertain significance. Review status: criteria provided, multiple submitters, no conflicts (2 of 4 stars). 3 submissions from 3 submitters: Uncertain significance (3). Last evaluated 2024-03-20.

Conditions:
Hypercholesterolemia, autosomal dominant, 3 (FHCL3). Also called: Familial hypercholesterolemia 3; Familial Hypercholesterolemia, Autosomal Dominant, 3; PCSK9-Related Familial Hypercholesterolemia, Autosomal Dominant. Identifiers: MedGen C1863551, MONDO:0011369, OMIM 603776.
Familial hypercholesterolemia. Also called: Familial hypercholesterolaemia; Familial hypercholesterolemias. Identifiers: MedGen C0020445, MONDO:0005439.

gnomAD v4.1: 9 of 1,612,762 alleles (0.00056%); highest among the groups gnomAD compares: Admixed American, 0.0017%; no homozygotes.

Submissions (3):

Color Diagnostics, LLC DBA Color Health
Classification: Uncertain significance for Familial hypercholesterolemia. Last evaluated: 2024-03-20. Review status: criteria provided, single submitter. Criteria: ACMG Guidelines, 2015. Collection method: clinical testing. Allele origin: germline.
Comment: This variant causes an A to C nucleotide substitution at the -2 position of intron 4 of the PCSK9 gene. To our knowledge, RNA studies have not been reported for this variant. This variant has not been reported in individuals affected with PCSK9-related disorders in the literature. This variant has been identified in 2/249160 chromosomes in the general population by the Genome Aggregation Database (gnomAD). The available evidence is insufficient to determine the role of this variant in disease conclusively. Therefore, this variant is classified as a Variant of Uncertain Significance.

All of Us Research Program, National Institutes of Health
Classification: Uncertain significance for Hypercholesterolemia, autosomal dominant, 3. Last evaluated: 2022-11-28. Review status: criteria provided, single submitter. Criteria: ACMG Guidelines, 2015. Collection method: clinical testing. Allele origin: germline. Inheritance: Autosomal dominant inheritance. Observed: 1 variant allele, 1 heterozygote.
Comment: This study involves interpretation of variants in research participants for the purpose of population health screening. Participant phenotype was not available at the time of variant classification. Additional details can be found in publication PMID: 35346344, PMCID: PMC8962531

Fulgent Genetics
Classification: Uncertain significance for Hypercholesterolemia, autosomal dominant, 3. Last evaluated: 2022-02-03. Review status: criteria provided, single submitter. Criteria: ACMG Guidelines, 2015. Collection method: clinical testing. Allele origin: unknown.